The following is an entry in ClinVar:

ClinVar aggregate classification (germline): Conflicting classifications of pathogenicity. Review status: criteria provided, conflicting classifications (1 of 4 stars). 5 submissions from 5 submitters: Uncertain significance (1); Benign (1); Likely benign (1). 2 of the submissions do not count toward it. Last evaluated 2026-01-25.

Conditions:
GALK1-related disorder. Also called: GALK1-related condition.
Deficiency of galactokinase. Also called: GALACTOSEMIA II; Galactokinase deficiency with cataracts. Identifiers: Orphanet 352, Orphanet 79237, MedGen C0268155, MONDO:0009255, OMIM 230200.

Allele frequency attached by ClinVar (database versions not stated): 1000 Genomes Project 30x 0.00047; 1000 Genomes Project 0.00060; ESP Exome Variant Server 0.00078; TOPMed 0.00080; gnomAD 0.00083.
gnomAD v4.1: 227 of 1,591,468 alleles (0.014%); highest among the groups gnomAD compares: African/African-American, 0.27%; 1 homozygote.

Submissions (5):

Labcorp Genetics (formerly Invitae), Labcorp
Classification: Benign for Deficiency of galactokinase. Last evaluated: 2026-01-25. Review status: criteria provided, single submitter. Criteria: Invitae Variant Classification Sherloc (09022015). Collection method: clinical testing. Allele origin: germline.

Blueprint Genetics
Classification: Likely benign. Last evaluated: 2024-10-09. Review status: criteria provided, single submitter. Criteria: ACMG Guidelines, 2015. Collection method: clinical testing. Allele origin: germline.

Illumina Laboratory Services, Illumina
Classification: Uncertain significance for Deficiency of galactokinase. Last evaluated: 2018-01-12. Review status: criteria provided, single submitter. Criteria: ICSL Variant Classification Criteria 13 December 2019. Collection method: clinical testing. Allele origin: germline.

PreventionGenetics, part of Exact Sciences
Classification: Likely benign for GALK1-related condition. Last evaluated: 2023-08-28. Review status: no assertion criteria provided. Collection method: clinical testing. Allele origin: germline. Not counted in ClinVar's aggregate classification.
Comment: This variant is classified as likely benign based on ACMG/AMP sequence variant interpretation guidelines (Richards et al. 2015 PMID: 25741868, with internal and published modifications).

Natera, Inc.
Classification: Likely benign for Deficiency of galactokinase. Last evaluated: 2019-10-24. Review status: no assertion criteria provided. Collection method: clinical testing. Allele origin: germline. Not counted in ClinVar's aggregate classification.

NM_000154.2(GALK1):c.864G>C (p.Thr288=)

Gene: GALK1 (galactokinase 1; minus strand). Cytogenetic location: 17q25.1.
Variant type: single nucleotide variant.
Coding change: c.864G>C on transcript NM_000154.2 (MANE Select); coding-DNA position 864, G replaced by C.
Protein change: p.Thr288=; no amino-acid change (threonine 288 retained).
Molecular consequence: synonymous variant.
Genome position (GRCh38, 1-based): chr17:75,758,529, C>G on the plus strand (G>C on the coding strand, the complement: GALK1 is on the minus strand). VCF-style: chr17-75758529-C-G. GRCh37 (hg19) VCF-style: chr17-73754610-C-G.
Identifiers: ClinVar variation 703778 (VCV000703778.26), dbSNP rs201247556, ClinGen allele CA8770804.